The following is an entry in ClinVar:

NM_181776.3(SLC36A2):c.1191C>T (p.Ala397=)

Gene: SLC36A2 (solute carrier family 36 member 2; minus strand). Cytogenetic location: 5q33.1.
Variant type: single nucleotide variant.
Coding change: c.1191C>T on transcript NM_181776.3 (MANE Select); coding-DNA position 1191, C replaced by T.
Protein change: p.Ala397=; no amino-acid change (alanine 397 retained).
Molecular consequence: synonymous variant.
Genome position (GRCh38, 1-based): chr5:151,317,078, G>A on the plus strand (C>T on the coding strand, the complement: SLC36A2 is on the minus strand). VCF-style: chr5-151317078-G-A. GRCh37 (hg19) VCF-style: chr5-150696639-G-A.
Identifiers: ClinVar variation 771861 (VCV000771861.35), dbSNP rs149847490, ClinGen allele CA3518596.

ClinVar aggregate classification (germline): Benign/Likely benign. Review status: criteria provided, multiple submitters, no conflicts (2 of 4 stars). 4 submissions from 4 submitters: Benign (1); Likely benign (3). Last evaluated 2026-01-06.

Conditions:
Hyperglycinuria. Also called: GLYCINURIA WITH OR WITHOUT OXALATE NEPHROLITHIASIS; GLYCINURIA WITH OR WITHOUT OXALATE UROLITHIASIS; IMINOGLYCINURIA TYPE II. Identifiers: MedGen C0543541, MONDO:0007677, OMIM 138500, HP:0003108.
Iminoglycinuria. Identifiers: Orphanet 42062, MedGen C0268654, MONDO:0009448, OMIM 242600.

Allele frequency attached by ClinVar (database versions not stated): 1000 Genomes Project 30x 0.00094; 1000 Genomes Project 0.00100; ESP Exome Variant Server 0.00254; TOPMed 0.00277; gnomAD 0.00305 and 0.00308; ExAC 0.00332; gnomAD exomes 0.00335 and 0.00468.

Submissions (4):

Labcorp Genetics (formerly Invitae), Labcorp
Classification: Benign. Last evaluated: 2026-01-06. Review status: criteria provided, single submitter. Criteria: Invitae Variant Classification Sherloc (09022015). Collection method: clinical testing. Allele origin: germline.

Blueprint Genetics
Classification: Likely benign. Last evaluated: 2024-11-22. Review status: criteria provided, single submitter. Criteria: ACMG Guidelines, 2015. Collection method: clinical testing. Allele origin: germline.

CeGaT Center for Human Genetics Tuebingen
Classification: Likely benign. Last evaluated: 2022-12-01. Review status: criteria provided, single submitter. Criteria: CeGaT Center For Human Genetics Tuebingen Variant Classification Criteria Version 2. Collection method: clinical testing. Allele origin: germline. Affected: yes. Observed: 1 variant allele.
Comment: SLC36A2: BP4, BP7, BS2

Fulgent Genetics
Classification: Likely benign for Hyperglycinuria; Iminoglycinuria. Last evaluated: 2021-07-27. Review status: criteria provided, single submitter. Criteria: ACMG Guidelines, 2015. Collection method: clinical testing. Allele origin: unknown.